The following is an entry in ClinVar:

NM_003835.4(RGS9):c.1799C>T (p.Ser600Leu)

Gene: RGS9 (regulator of G protein signaling 9; plus strand). Cytogenetic location: 17q24.1.
Variant type: single nucleotide variant.
Coding change: c.1799C>T on transcript NM_003835.4 (MANE Select); coding-DNA position 1799, C replaced by T.
Protein change: p.Ser600Leu; replaces serine 600 with leucine.
Molecular consequence: missense variant.
Genome position (GRCh38, 1-based): chr17:65,225,393, C>T. VCF-style: chr17-65225393-C-T. GRCh37 (hg19) VCF-style: chr17-63221511-C-T.
Other names: c.1790C>T, p.Ser597Leu (NM_001081955.3); short protein forms S597L, S600L.
Identifiers: ClinVar variation 1493889 (VCV001493889.8), dbSNP rs2144135928, ClinGen allele CA400673993.

ClinVar aggregate classification (germline): Uncertain significance (1 of 4 stars; one submission).

Submission:

Labcorp Genetics (formerly Invitae), Labcorp
Classification: Uncertain significance. Last evaluated: 2023-07-03. Review status: criteria provided, single submitter. Criteria: Invitae Variant Classification Sherloc (09022015). Collection method: clinical testing. Allele origin: germline.
Comment: This sequence change replaces serine, which is neutral and polar, with leucine, which is neutral and non-polar, at codon 600 of the RGS9 protein (p.Ser600Leu). This variant is not present in population databases (gnomAD no frequency). This variant has not been reported in the literature in individuals affected with RGS9-related conditions. ClinVar contains an entry for this variant (Variation ID: 1493889). An algorithm developed to predict the effect of missense changes on protein structure and function (PolyPhen-2) suggests that this variant is likely to be tolerated. In summary, the available evidence is currently insufficient to determine the role of this variant in disease. Therefore, it has been classified as a Variant of Uncertain Significance.